The following is an entry in ClinVar:

ClinVar aggregate classification (germline): Uncertain significance (1 of 4 stars; one submission).

Allele frequency attached by ClinVar (database versions not stated): gnomAD exomes below 0.00001.
gnomAD v4.1: 1 of 1,614,122 alleles (0.000062%); highest among the groups gnomAD compares: Non-Finnish European, 0.000085%; no homozygotes.

Submission:

Ambry Genetics
Classification: Uncertain significance. Last evaluated: 2022-10-07. Review status: criteria provided, single submitter. Criteria: Ambry Variant Classification Scheme 2023. Collection method: clinical testing. Allele origin: germline.
Comment: The p.V544A variant (also known as c.1631T>C), located in coding exon 9 of the PKP4 gene, results from a T to C substitution at nucleotide position 1631. The valine at codon 544 is replaced by alanine, an amino acid with similar properties. This amino acid position is conserved. In addition, the in silico prediction for this alteration is inconclusive. Since supporting evidence is limited at this time, the clinical significance of this alteration remains unclear.

NM_003628.6(PKP4):c.1631T>C (p.Val544Ala)

Gene: PKP4 (plakophilin 4; plus strand). Cytogenetic location: 2q24.1.
Variant type: single nucleotide variant.
Coding change: c.1631T>C on transcript NM_003628.6 (MANE Select); coding-DNA position 1631, T replaced by C.
Protein change: p.Val544Ala; replaces valine 544 with alanine.
Molecular consequence: missense variant.
Genome position (GRCh38, 1-based): chr2:158,640,695, T>C. VCF-style: chr2-158640695-T-C. GRCh37 (hg19) VCF-style: chr2-159497207-T-C.
Other names: c.1631T>C, p.Val544Ala (NM_001005476.4, NM_001304971.2, NM_001377218.1 and 1 more transcripts); c.1628T>C, p.Val543Ala (NM_001304969.3, NM_001377219.1, NM_001377220.1 and 2 more transcripts); c.602T>C, p.Val201Ala (NM_001304970.3); c.1625T>C, p.Val542Ala (NM_001377222.1, NM_001377223.1); c.1622T>C, p.Val541Ala (NM_001377224.1); short protein forms V544A, V542A, V543A, V201A, V541A.
Identifiers: ClinVar variation 1776844 (VCV001776844.2), dbSNP rs2529693567, ClinGen allele CA348911391.
Genomic context (GRCh38, chr2:158,640,695, plus strand): 5'-CCTGGCGTGATCCTGAGTTGCCTGAGGTCATTCACATGCTTCAGCACCAGTTCCCATCTG[T>C]TCAGGCAAATGCAGCGGCCTACCTGCAGCACCTGTGCTTTGGTGACAACAAAGTGAAGAT-3'
Protein context (NP_003619.2, residues 534-554): IHMLQHQFPS[Val544Ala]QANAAAYLQH